The following is an entry in ClinVar:

NM_004006.3(DMD):c.10932TCT[1] (p.Leu3646del)

Gene: DMD (dystrophin; minus strand). Cytogenetic location: Xp21.2.
Variant type: Microsatellite.
Coding change: c.10932TCT[1] on transcript NM_004006.3 (MANE Select); one copy of the 3-base unit TCT starting at c.10932; the reference has two copies in a row; one copy, 3 bases deleted.
Protein change: p.Leu3646del; deletes leucine 3646.
Molecular consequence: inframe deletion.
Genome position (GRCh38, 1-based): chrX:31,134,179-31,134,181, AGA deleted on the plus strand (TCT on the coding strand, the reverse complement: DMD is on the minus strand); deleting any 3 consecutive bases within chrX:31,134,179-31,134,184 gives the same sequence; the position shown is the placement nearest the transcript's 3' end. VCF-style (leftmost placement, unchanged base first): chrX-31134178-GAGA-G. GRCh37 (hg19) VCF-style: chrX-31152295-GAGA-G.
Other names: c.10935_10937delTCT (NM_004006.2); c.10908TCT[1], p.Leu3638del (NM_000109.4); c.10920TCT[1], p.Leu3642del (NM_004009.3); c.10563TCT[1], p.Leu3523del (NM_004010.3); c.6909TCT[1], p.Leu2305del (NM_004011.4); c.6900TCT[1], p.Leu2302del (NM_004012.4); c.3552TCT[1], p.Leu1186del (NM_004013.3, NM_004021.3); c.2745TCT[1], p.Leu917del (NM_004014.3); and 4 more; short protein forms L1076del, L1173del, L1186del, L2302del, L2305del, L3523del, L3638del, L3642del.
Identifiers: ClinVar variation 1310448 (VCV001310448.5), dbSNP rs2147775174, ClinGen allele CA2579578277.

ClinVar aggregate classification (germline): Uncertain significance. Review status: criteria provided, multiple submitters, no conflicts (2 of 4 stars). 3 submissions from 3 submitters: Uncertain significance (3). Last evaluated 2025-09-22.

Conditions:
Duchenne muscular dystrophy (DMD). Also called: MUSCULAR DYSTROPHY, PSEUDOHYPERTROPHIC PROGRESSIVE, DUCHENNE TYPE; Duchenne Muscular Dystrophy (DMD). Identifiers: Orphanet 98896, MedGen C0013264, MONDO:0010679, OMIM 310200.
Cardiovascular phenotype. Identifiers: MedGen CN230736.

Submissions (3):

Labcorp Genetics (formerly Invitae), Labcorp
Classification: Uncertain significance for Duchenne muscular dystrophy. Last evaluated: 2025-09-22. Review status: criteria provided, single submitter. Criteria: Invitae Variant Classification Sherloc (09022015). Collection method: clinical testing. Allele origin: germline.
Comment: This variant, c.10935_10937del, results in the deletion of 1 amino acid(s) of the DMD protein (p.Leu3646del), but otherwise preserves the integrity of the reading frame. This variant is not present in population databases (gnomAD no frequency). This variant has not been reported in the literature in individuals affected with DMD-related conditions. ClinVar contains an entry for this variant (Variation ID: 1310448). Experimental studies and prediction algorithms are not available or were not evaluated, and the functional significance of this variant is currently unknown. In summary, the available evidence is currently insufficient to determine the role of this variant in disease. Therefore, it has been classified as a Variant of Uncertain Significance.

Ambry Genetics
Classification: Uncertain significance for Cardiovascular phenotype. Last evaluated: 2020-03-05. Review status: criteria provided, single submitter. Criteria: Ambry Variant Classification Scheme 2023. Collection method: clinical testing. Allele origin: germline.
Comment: The c.10935_10937delTCT variant (also known as p.L3646del) is located in coding exon 77 of the DMD gene. This variant results from an in-frame TCT deletion at nucleotide positions 10935 to 10937. This results in the in-frame deletion of a leucine at codon 3646. This amino acid position is well conserved in available vertebrate species. In addition, this alteration is predicted to be neutral by in silico analysis (Choi Y et al. PLoS ONE. 2012; 7(10):e46688). Since supporting evidence is limited at this time, the clinical significance of this alteration remains unclear.

GeneDx
Classification: Uncertain significance. Last evaluated: 2019-12-02. Review status: criteria provided, single submitter. Criteria: GeneDx Variant Classification Process June 2021. Collection method: clinical testing. Allele origin: germline. Affected: yes.
Comment: Has not been previously published as pathogenic or benign to our knowledge; Not observed in large population cohorts (Lek et al., 2016); In-frame deletion of a single amino acid residue in a non-repeat region; In silico analysis, which includes protein predictors and evolutionary conservation, supports a deleterious effect; No nearby in-frame deletions in the DMD gene have been reported in HGMD in association with dystrophinopathy (Stenson et al., 2014). In addition, the majority of pathogenic variants in the DMD gene that are associated with cardiomyopathy are loss of function alleles.